The following is an entry in ClinVar:

ClinVar aggregate classification (germline): Pathogenic. Review status: criteria provided, multiple submitters, no conflicts (2 of 4 stars). 2 submissions from 2 submitters: Pathogenic (2). Last evaluated 2023-08-17.

Conditions:
Spondylometaphyseal dysplasia - Sutcliffe type. Also called: Spondylometaphyseal dysplasia, 'corner fracture' type; Spondylometaphyseal Dysplasia, Corner Fracture Type; Sutcliffe type of spondylometaphyseal dysplasia; Sutcliffe SMD. Identifiers: Orphanet 93315, MedGen C0432221, MONDO:0008479, OMIM 184255.

Submissions (2):

Labcorp Genetics (formerly Invitae), Labcorp
Classification: Pathogenic. Last evaluated: 2023-08-17. Review status: criteria provided, single submitter. Criteria: Invitae Variant Classification Sherloc (09022015). Collection method: clinical testing. Allele origin: germline.
Comment: For these reasons, this variant has been classified as Pathogenic. Advanced modeling of protein sequence and biophysical properties (such as structural, functional, and spatial information, amino acid conservation, physicochemical variation, residue mobility, and thermodynamic stability) performed at Invitae indicates that this missense variant is expected to disrupt FN1 protein function. ClinVar contains an entry for this variant (Variation ID: 1683462). This missense change has been observed in individual(s) with clinical features of FN1-related conditions (Invitae). In at least one individual the variant was observed to be de novo. This variant is not present in population databases (gnomAD no frequency). This sequence change replaces cysteine, which is neutral and slightly polar, with tryptophan, which is neutral and slightly polar, at codon 87 of the FN1 protein (p.Cys87Trp).

Laboratory of Inherited Metabolic Diseases, Research centre for medical genetics
Classification: Pathogenic for Spondylometaphyseal dysplasia - Sutcliffe type. Last evaluated: 2022-04-01. Review status: criteria provided, single submitter. Criteria: ACMG Guidelines, 2015. Collection method: clinical testing. Allele origin: germline. Affected: yes. Observed: 1 variant allele.

NM_212482.4(FN1):c.261C>G (p.Cys87Trp)

Gene: FN1 (fibronectin 1; minus strand). Cytogenetic location: 2q35.
Variant type: single nucleotide variant.
Coding change: c.261C>G on transcript NM_212482.4 (MANE Select); coding-DNA position 261, C replaced by G.
Protein change: p.Cys87Trp; replaces cysteine 87 with tryptophan.
Molecular consequence: missense variant.
Genome position (GRCh38, 1-based): chr2:215,434,712, G>C on the plus strand (C>G on the coding strand, the complement: FN1 is on the minus strand). VCF-style: chr2-215434712-G-C. GRCh37 (hg19) VCF-style: chr2-216299435-G-C.
Other names: c.261C>G, p.Cys87Trp (NM_001365521.2, NM_001365522.2, NM_001365523.2 and 14 more transcripts); short protein forms C87W.
Identifiers: ClinVar variation 1683462 (VCV001683462.5), dbSNP rs753456938, ClinGen allele CA350480002.
Genomic context (GRCh38, chr2:215,434,712, plus strand): 5'-TCATGTATTAAAAGATACTAACTATGGGGCTTGTTGTCACTTACCTTCAGGTTTACTCTC[G>C]CAGTTAAAACCTCGGCTTCCTCCATAACAAGTACAAACCAACGCATTGCCTAGGTAGGTC-3'
Protein context (NP_997647.2, residues 77-97): TCYGGSRGFN[Cys87Trp]ESKPEAEETC